The following is an entry in ClinVar:

NM_001844.5(COL2A1):c.4007G>A (p.Trp1336Ter)

Gene: COL2A1 (collagen type II alpha 1 chain; minus strand). Cytogenetic location: 12q13.11.
Variant type: single nucleotide variant.
Coding change: c.4007G>A on transcript NM_001844.5 (MANE Select); coding-DNA position 4007, G replaced by A.
Protein change: p.Trp1336Ter; replaces tryptophan 1336 with a stop codon.
Molecular consequence: nonsense.
Genome position (GRCh38, 1-based): chr12:47,974,742, C>T on the plus strand (G>A on the coding strand, the complement: COL2A1 is on the minus strand). VCF-style: chr12-47974742-C-T. GRCh37 (hg19) VCF-style: chr12-48368525-C-T.
Other names: c.3800G>A, p.Trp1267Ter (NM_033150.3); short protein forms W1336*, W1267*.
Identifiers: ClinVar variation 4526359 (VCV004526359.2).

ClinVar aggregate classification (germline): Pathogenic/Likely pathogenic. Review status: criteria provided, multiple submitters, no conflicts (2 of 4 stars). 2 submissions from 2 submitters: Pathogenic (1); Likely pathogenic (1). Last evaluated 2025-07-23.

Submissions (2):

Centre of Medical Genetics, University Hospital Muenster
Classification: Likely pathogenic. Last evaluated: 2025-07-23. Review status: criteria provided, single submitter. Criteria: ACMG Guidelines, 2015. Collection method: clinical testing. Allele origin: unknown. Affected: yes. Observed: 1 variant allele, 1 heterozygote.
Comment: ACMG categories: PVS1,PM2_sup

Labcorp Genetics (formerly Invitae), Labcorp
Classification: Pathogenic. Last evaluated: 2025-06-04. Review status: criteria provided, single submitter. Criteria: Invitae Variant Classification Sherloc (09022015). Collection method: clinical testing. Allele origin: germline.
Comment: This sequence change creates a premature translational stop signal (p.Trp1336*) in the COL2A1 gene. It is expected to result in an absent or disrupted protein product. Loss-of-function variants in COL2A1 are known to be pathogenic (PMID: 20179744). This variant is not present in population databases (gnomAD no frequency). This variant has not been reported in the literature in individuals affected with COL2A1-related conditions. For these reasons, this variant has been classified as Pathogenic.

Literature cited by the submitters: PubMed 20179744 (cited by Labcorp Genetics (formerly Invitae), Labcorp).